The following is an entry in ClinVar:

NM_001367479.1(DNAH14):c.2482C>G (p.Leu828Val)

Gene: DNAH14 (dynein axonemal heavy chain 14; plus strand). Cytogenetic location: 1q42.12.
Variant type: single nucleotide variant.
Coding change: c.2482C>G on transcript NM_001367479.1 (MANE Select); coding-DNA position 2482, C replaced by G.
Protein change: p.Leu828Val; replaces leucine 828 with valine.
Molecular consequence: missense variant.
Genome position (GRCh38, 1-based): chr1:225,079,264, C>G. VCF-style: chr1-225079264-C-G. GRCh37 (hg19) VCF-style: chr1-225266966-C-G.
Other names: short protein forms L828V.
Identifiers: ClinVar variation 402645 (VCV000402645.5), dbSNP rs3105559, ClinGen allele CA1415800.

ClinVar aggregate classification (germline): Benign. Review status: criteria provided, multiple submitters, no conflicts (2 of 4 stars). 2 submissions from 2 submitters: Benign (2). Last evaluated 2016-03-28.

Allele frequency attached by ClinVar (database versions not stated): 1000 Genomes Project 30x 0.69644; 1000 Genomes Project 0.70228; TOPMed 0.76873; gnomAD 0.80756; ESP Exome Variant Server 0.82661; ExAC 0.86544; gnomAD exomes 0.86982.
gnomAD v4.1: 1,420,011 of 1,547,610 alleles (92%); highest among the groups gnomAD compares: Non-Finnish European, 96%; 662,157 homozygotes.

Submissions (2):

Laboratory for Molecular Medicine, Mass General Brigham Personalized Medicine
Classification: Benign. Last evaluated: 2016-03-28. Review status: criteria provided, single submitter. Criteria: LMM Criteria. Collection method: clinical testing. Allele origin: germline.
Comment: Variant identified in a genome or exome case(s) and assessed due to predicted null impact of the variant or pathogenic assertions in the literature or databases. Disclaimer: This variant has not undergone full assessment. The following are preliminary notes: Frequency

Breakthrough Genomics
Classification: Benign. Review status: criteria provided, single submitter. Criteria: ACMG Guidelines, 2015. Collection method: not provided. Allele origin: germline. Inheritance: Unknown mechanism. Affected: yes.